The following is an entry in ClinVar:

ClinVar aggregate classification (germline): Uncertain significance (1 of 4 stars; one submission).

Allele frequency attached by ClinVar (database versions not stated): gnomAD 0.00001; TOPMed 0.00001.
gnomAD v4.1: 2 of 1,580,372 alleles (0.00013%); highest among the groups gnomAD compares: Non-Finnish European, 0.000086%; no homozygotes.

Submission:

Labcorp Genetics (formerly Invitae), Labcorp
Classification: Uncertain significance. Last evaluated: 2024-12-23. Review status: criteria provided, single submitter. Criteria: Invitae Variant Classification Sherloc (09022015). Collection method: clinical testing. Allele origin: germline.
Comment: This sequence change falls in intron 1 of the ATP5E gene. It does not directly change the encoded amino acid sequence of the ATP5E protein. It affects a nucleotide within the consensus splice site. This variant is not present in population databases (gnomAD no frequency). This variant has not been reported in the literature in individuals affected with ATP5E-related conditions. ClinVar contains an entry for this variant (Variation ID: 2991291). Variants that disrupt the consensus splice site are a relatively common cause of aberrant splicing (PMID: 17576681, 9536098). Algorithms developed to predict the effect of sequence changes on RNA splicing suggest that this variant is not likely to affect RNA splicing. In summary, the available evidence is currently insufficient to determine the role of this variant in disease. Therefore, it has been classified as a Variant of Uncertain Significance.

Literature cited by the submitters: PubMed 17576681; PubMed 9536098.

NM_006886.4(ATP5F1E):c.32+6C>T

Genes: ATP5F1E (ATP synthase F1 subunit epsilon; minus strand), SLMO2-ATP5E (SLMO2-ATP5E readthrough; minus strand), LOC130066277 (ATAC-STARR-seq lymphoblastoid active region 18187; plus strand). Cytogenetic location: 20q13.32.
Variant type: single nucleotide variant.
Coding change: c.32+6C>T on transcript NM_006886.4 (MANE Select); 6 bases into the intron after coding-DNA position 32, C replaced by T.
Molecular consequence: intron variant.
Genome position (GRCh38, 1-based): chr20:59,032,214, G>A on the plus strand (C>T on the coding strand, the complement: ATP5F1E is on the minus strand). VCF-style: chr20-59032214-G-A. GRCh37 (hg19) VCF-style: chr20-57607269-G-A.
Identifiers: ClinVar variation 2991291 (VCV002991291.3), dbSNP rs1238955960, ClinGen allele CA746057382.